The following is an entry in ClinVar:

ClinVar aggregate classification (germline): Pathogenic/Likely pathogenic. Review status: criteria provided, multiple submitters, no conflicts (2 of 4 stars). 3 submissions from 3 submitters: Pathogenic (2); Likely pathogenic (1). Last evaluated 2025-10-27.

Conditions:
Mucopolysaccharidosis, MPS-III-A (MPS3A). Also called: HEPARAN SULFATE SULFATASE DEFICIENCY; SANFILIPPO SYNDROME A; SULFAMIDASE DEFICIENCY; MPS III A; Mucopolysaccharidosis type IIIA (Sanfilippo A); MUCOPOLYSACCHARIDOSIS, TYPE IIIA, ATTENUATED. Identifiers: Orphanet 581, Orphanet 79269, MedGen C0086647, MONDO:0009655, OMIM 252900.

Submissions (3):

Natera, Inc.
Classification: Pathogenic for Mucopolysaccharidosis type IIIA. Last evaluated: 2025-10-27. Review status: criteria provided, single submitter. Criteria: Natera Variant Classification Schema (03/2026). Collection method: clinical testing. Allele origin: germline.
Comment: The c.7_16delTGCCCCGTGC variant in SGSH is a frameshift variant predicted to shift the reading frame beginning at codon 3 and leads to a stop codon 8 codons downstream. This variant is expected to result in nonsense mediated decay, truncation, or a dysfunctional protein product. This variant is rare in the general population with a frequency below the threshold expected for the associated phenotype(s). This variant has been observed in one or more individuals affected with the associated recessive disease, as either homozygous or compound heterozygous with a second variant (PMID: 38841321). Given the available evidence, this variant is classified as Pathogenic.

Labcorp Genetics (formerly Invitae), Labcorp
Classification: Pathogenic for Mucopolysaccharidosis, MPS-III-A. Last evaluated: 2024-07-17. Review status: criteria provided, single submitter. Criteria: Invitae Variant Classification Sherloc (09022015). Collection method: clinical testing. Allele origin: germline.
Comment: This sequence change creates a premature translational stop signal (p.Cys3Profs*8) in the SGSH gene. It is expected to result in an absent or disrupted protein product. Loss-of-function variants in SGSH are known to be pathogenic (PMID: 11182930, 21204211, 22976768). This variant is not present in population databases (gnomAD no frequency). This variant has not been reported in the literature in individuals affected with SGSH-related conditions. For these reasons, this variant has been classified as Pathogenic.

Baylor Genetics
Classification: Likely pathogenic for Mucopolysaccharidosis, MPS-III-A. Last evaluated: 2023-07-14. Review status: criteria provided, single submitter. Criteria: ACMG Guidelines, 2015. Collection method: clinical testing. Allele origin: unknown.

Literature cited by the submitters: PubMed 38841321 (cited by Natera, Inc.); PubMed 11182930 (cited by Labcorp Genetics (formerly Invitae), Labcorp); PubMed 21204211 (cited by Labcorp Genetics (formerly Invitae), Labcorp); PubMed 22976768 (cited by Labcorp Genetics (formerly Invitae), Labcorp).

NM_000199.5(SGSH):c.7_16del (p.Cys3fs)

Genes: SGSH (N-sulfoglucosamine sulfohydrolase; minus strand), LOC130061900 (ATAC-STARR-seq lymphoblastoid silent region 9102; plus strand). Cytogenetic location: 17q25.3.
Variant type: Deletion.
Coding change: c.7_16del on transcript NM_000199.5 (MANE Select); coding-DNA positions 7 to 16, 10 bases deleted (TGCCCCGTGC; older notation c.7_16delTGCCCCGTGC).
Protein change: p.Cys3fs; shifts the reading frame from cysteine 3.
Molecular consequence: frameshift variant. On other transcripts: non-coding transcript variant (1).
Genome position (GRCh38, 1-based): chr17:80,220,298-80,220,307, GCACGGGGCA deleted on the plus strand (TGCCCCGTGC on the coding strand, the reverse complement: SGSH is on the minus strand); deleting any 10 consecutive bases within chr17:80,220,298-80,220,309 gives the same sequence; the c. name uses the placement nearest the transcript's 3' end. VCF-style (leftmost placement, unchanged base first): chr17-80220297-GGCACGGGGCA-G. GRCh37 (hg19) VCF-style: chr17-78194096-GGCACGGGGCA-G.
Other names: c.7_16del, p.Cys3fs (NM_001352921.3, NM_001352922.2); c.7_16delTGCCCCGTGC (NM_000199.4); short protein forms C3fs.
Identifiers: ClinVar variation 2678724 (VCV002678724.4), dbSNP rs2510930697, ClinGen allele CA2640309579.